The following is an entry in ClinVar:

NM_032188.3(KAT8):c.234T>G (p.Ser78=)

Gene: KAT8 (lysine acetyltransferase 8; plus strand). Cytogenetic location: 16p11.2.
Variant type: single nucleotide variant.
Coding change: c.234T>G on transcript NM_032188.3 (MANE Select); coding-DNA position 234, T replaced by G.
Protein change: p.Ser78=; no amino-acid change (serine 78 retained).
Molecular consequence: synonymous variant.
Genome position (GRCh38, 1-based): chr16:31,120,208, T>G. VCF-style: chr16-31120208-T-G. GRCh37 (hg19) VCF-style: chr16-31131529-T-G.
Other names: c.234T>G, p.Ser78= (NM_182958.4).
Identifiers: ClinVar variation 4874928 (VCV004874928.2).

ClinVar aggregate classification (germline): Likely benign (1 of 4 stars; one submission).

Submission:

CeGaT Center for Human Genetics Tuebingen
Classification: Likely benign. Last evaluated: 2026-05-01. Review status: criteria provided, single submitter. Criteria: CeGaT Center For Human Genetics Tuebingen Variant Classification Criteria Version 2. Collection method: clinical testing. Allele origin: germline. Affected: yes. Observed: 1 variant allele.
Comment: KAT8: BP4, BP7